The following is an entry in ClinVar:

NM_000181.4(GUSB):c.1884_1886dup (p.Lys628_Ile629insMet)

Gene: GUSB (glucuronidase beta; minus strand). Cytogenetic location: 7q11.21.
Variant type: Duplication.
Coding change: c.1884_1886dup on transcript NM_000181.4 (MANE Select); coding-DNA positions 1884 to 1886, 3 bases duplicated (GAT; older notation c.1884_1886dupGAT).
Protein change: p.Lys628_Ile629insMet.
Molecular consequence: inframe insertion. On other transcripts: non-coding transcript variant (1).
Genome position (GRCh38, 1-based): chr7:65,960,967-65,960,969, ATC duplicated on the plus strand (GAT on the coding strand, the reverse complement: GUSB is on the minus strand). VCF-style (leftmost placement, unchanged base first): chr7-65960966-A-AATC. GRCh37 (hg19) VCF-style: chr7-65425953-A-AATC.
Other names: c.1446_1448dup, p.Lys482_Ile483insMet (NM_001284290.2); c.1314_1316dup, p.Lys438_Ile439insMet (NM_001293104.2); c.1227_1229dup, p.Lys409_Ile410insMet (NM_001293105.2); c.1884_1886dupGAT (NM_000181.3); c.1884_1886dup (NM_000181.3).
Identifiers: ClinVar variation 2629265 (VCV002629265.2), dbSNP rs1421167945, ClinGen allele CA575259131.
Genomic context (GRCh38, chr7:65,960,966, plus strand): 5'-CAGGCTGTTTTCCAAACATTGTGACTTGGCTACTGAGTGGGGATACCTGGTTTCATTGGC[A>AATC]ATCTTCCAGTATCTCTCTCGCAAAAGGAACGCTGCACTTTTTGGTTGTCTCTGCCGAGTG-3'

ClinVar aggregate classification (germline): Uncertain significance. Review status: criteria provided, multiple submitters, no conflicts (2 of 4 stars). 2 submissions from 2 submitters: Uncertain significance (2). Last evaluated 2024-02-15.

Conditions:
GUSB-related disorder. Also called: GUSB-related condition.

Allele frequency attached by ClinVar (database versions not stated): gnomAD exomes below 0.00001; gnomAD 0.00002; TOPMed 0.00002.

Submissions (2):

GeneDx
Classification: Uncertain significance. Last evaluated: 2024-02-15. Review status: criteria provided, single submitter. Criteria: GeneDx Variant Classification Process June 2021. Collection method: clinical testing. Allele origin: germline. Affected: yes.
Comment: Not observed at significant frequency in large population cohorts (gnomAD); In-frame insertion of 1 amino acid in a non-repeat region; Has not been previously published as pathogenic or benign to our knowledge

PreventionGenetics, part of Exact Sciences
Classification: Uncertain significance for GUSB-related condition. Last evaluated: 2023-09-16. Review status: criteria provided, single submitter. Criteria: ACMG Guidelines, 2015. Collection method: clinical testing. Allele origin: germline.
Comment: The GUSB c.1884_1886dupGAT variant is predicted to result in an in-frame duplication (p.Lys628_Ile629insMet). To our knowledge, this variant has not been reported in the literature. This variant is reported in 0.012% of alleles in individuals of African descent in gnomAD. At this time, the clinical significance of this variant is uncertain due to the absence of conclusive functional and genetic evidence.